The following is an entry in ClinVar:

NM_001304438.2(TMEM132E):c.2506G>A (p.Glu836Lys)

Gene: TMEM132E (transmembrane protein 132E; plus strand). Cytogenetic location: 17q12.
Variant type: single nucleotide variant.
Coding change: c.2506G>A on transcript NM_001304438.2 (MANE Select); coding-DNA position 2506, G replaced by A.
Protein change: p.Glu836Lys; replaces glutamic acid 836 with lysine.
Molecular consequence: missense variant.
Genome position (GRCh38, 1-based): chr17:34,637,513, G>A. VCF-style: chr17-34637513-G-A. GRCh37 (hg19) VCF-style: chr17-32964532-G-A.
Other names: NM_207313.1:c.2236G>A; short protein forms E836K.
Identifiers: ClinVar variation 3010672 (VCV003010672.4), dbSNP rs945492986, ClinGen allele CA289923096.

ClinVar aggregate classification (germline): Uncertain significance. Review status: criteria provided, multiple submitters, no conflicts (2 of 4 stars). 2 submissions from 2 submitters: Uncertain significance (2). Last evaluated 2025-04-20.

Allele frequency attached by ClinVar (database versions not stated): gnomAD exomes 0.00003; gnomAD 0.00004; TOPMed 0.00005.
gnomAD v4.1: 54 of 1,604,832 alleles (0.0034%); highest among the groups gnomAD compares: Non-Finnish European, 0.0042%; no homozygotes.

Submissions (2):

Ambry Genetics
Classification: Uncertain significance. Last evaluated: 2025-04-20. Review status: criteria provided, single submitter. Criteria: Ambry Variant Classification Scheme 2023. Collection method: clinical testing. Allele origin: germline.

Labcorp Genetics (formerly Invitae), Labcorp
Classification: Uncertain significance. Last evaluated: 2023-02-09. Review status: criteria provided, single submitter. Criteria: Invitae Variant Classification Sherloc (09022015). Collection method: clinical testing. Allele origin: germline.
Comment: In summary, the available evidence is currently insufficient to determine the role of this variant in disease. Therefore, it has been classified as a Variant of Uncertain Significance. Algorithms developed to predict the effect of missense changes on protein structure and function are either unavailable or do not agree on the potential impact of this missense change (SIFT: "Tolerated"; PolyPhen-2: "Not Available"; Align-GVGD: "Class C0"). This variant has not been reported in the literature in individuals affected with TMEM132E-related conditions. The frequency data for this variant in the population databases is considered unreliable, as metrics indicate poor data quality at this position in the gnomAD database. This sequence change replaces glutamic acid, which is acidic and polar, with lysine, which is basic and polar, at codon 836 of the TMEM132E protein (p.Glu836Lys).